The following is an entry in ClinVar:

ClinVar aggregate classification (germline): Uncertain significance (1 of 4 stars; one submission).

Conditions:
Inborn genetic diseases. Identifiers: MedGen C0950123, MeSH D030342.

Submission:

Ambry Genetics
Classification: Uncertain significance for Inborn genetic diseases. Last evaluated: 2026-07-30. Review status: criteria provided, single submitter. Criteria: Ambry Variant Classification Scheme 2023. Collection method: clinical testing. Allele origin: germline.
Comment: The p.A192G variant (also known as c.575C>G), located in coding exon 5 of the BMPR2 gene, results from a C to G substitution at nucleotide position 575. The alanine at codon 192 is replaced by glycine, an amino acid with similar properties. This amino acid position is conserved. In addition, the in silico prediction for this alteration is inconclusive. Based on the available evidence, the clinical significance of this variant remains unclear.

NM_001204.7(BMPR2):c.575C>G (p.Ala192Gly)

Gene: BMPR2 (bone morphogenetic protein receptor type 2; plus strand). Cytogenetic location: 2q33.2.
Variant type: single nucleotide variant.
Coding change: c.575C>G on transcript NM_001204.7 (MANE Select); coding-DNA position 575, C replaced by G.
Protein change: p.Ala192Gly; replaces alanine 192 with glycine.
Molecular consequence: missense variant.
Genome position (GRCh38, 1-based): chr2:202,514,933, C>G. VCF-style: chr2-202514933-C-G. GRCh37 (hg19) VCF-style: chr2-203379656-C-G.
Other names: short protein forms A192G.
Identifiers: ClinVar variation 5033104 (VCV005033104.1).